The following is an entry in ClinVar:

ClinVar aggregate classification (germline): Uncertain significance (1 of 4 stars; one submission).

Conditions:
X-linked intellectual disability Cabezas type (MRXSC). Also called: CABEZAS SYNDROME; MENTAL RETARDATION, X-LINKED, SYNDROMIC 15; Intellectual developmental disorder, X-linked syndromic, Cabezas type. Identifiers: Orphanet 85289, Orphanet 85293, MedGen C1845861, MONDO:0010306, OMIM 300354.

Submission:

Baylor Genetics
Classification: Uncertain significance for X-linked intellectual disability Cabezas type. Last evaluated: 2018-02-06. Review status: criteria provided, single submitter. Criteria: ACMG Guidelines, 2015. Collection method: clinical testing. Allele origin: unknown. Affected: yes.
Comment: This variant was determined to be of uncertain significance according to ACMG Guidelines, 2015 [PMID:25741868].

NM_001079872.2(CUL4B):c.1598T>G (p.Phe533Cys)

Gene: CUL4B (cullin 4B; minus strand). Cytogenetic location: Xq24.
Variant type: single nucleotide variant.
Coding change: c.1598T>G on transcript NM_001079872.2 (MANE Select); coding-DNA position 1598, T replaced by G.
Protein change: p.Phe533Cys; replaces phenylalanine 533 with cysteine.
Molecular consequence: missense variant.
Genome position (GRCh38, 1-based): chrX:120,540,408, A>C on the plus strand (T>G on the coding strand, the complement: CUL4B is on the minus strand). VCF-style: chrX-120540408-A-C. GRCh37 (hg19) VCF-style: chrX-119674263-A-C.
Other names: c.1613T>G, p.Phe538Cys (NM_001330624.2); c.1064T>G, p.Phe355Cys (NM_001369145.1); c.1652T>G, p.Phe551Cys (NM_003588.4); short protein forms F551C, F355C, F538C, F533C.
Identifiers: ClinVar variation 1031339 (VCV001031339.1), dbSNP rs1923919394, ClinGen allele CA414196680.
Genomic context (GRCh38, chrX:120,540,408, plus strand): 5'-GAAAAAGGACTGGAAAACATACCTATAAGTTCAGCTGGTTTATTTGGTCTTTTGTTAATG[A>C]ACGTTTCAAATGCTTCTTTCATGGCATTGATAAATTTCTCATTCTTCAGAAAGCAGATAT-3'
Protein context (NP_001073341.1, residues 523-543): INAMKEAFET[Phe533Cys]INKRPNKPAE